The following is an entry in ClinVar:

ClinVar aggregate classification (germline): Benign/Likely benign. Review status: criteria provided, multiple submitters, no conflicts (2 of 4 stars). 8 submissions from 8 submitters: Benign (3); Likely benign (5). Last evaluated 2026-06-23.

Conditions:
Upshaw-Schulman syndrome (TTP). Also called: Congenital thrombotic thrombocytopenic purpura; THROMBOTIC THROMBOCYTOPENIC PURPURA, HEREDITARY. Identifiers: Orphanet 93583, MedGen C1268935, MONDO:0010122, OMIM 274150.

Allele frequency attached by ClinVar (database versions not stated): ESP Exome Variant Server 0.00008; gnomAD 0.00106 and 0.00158; TOPMed 0.00177; gnomAD exomes 0.00355; ExAC 0.00361; 1000 Genomes Project 30x 0.00625; 1000 Genomes Project 0.00739.
gnomAD v4.1: 2,194 of 1,590,318 alleles (0.14%); highest among the groups gnomAD compares: East Asian, 4.4%; 46 homozygotes.

Submissions (8):

Women's Health and Genetics/Laboratory Corporation of America, LabCorp
Classification: Likely benign. Last evaluated: 2026-06-23. Review status: criteria provided, single submitter. Criteria: LabCorp Variant Classification Summary - May 2015. Collection method: clinical testing. Allele origin: germline.

CeGaT Center for Human Genetics Tuebingen
Classification: Likely benign. Last evaluated: 2026-02-01. Review status: criteria provided, single submitter. Criteria: CeGaT Center For Human Genetics Tuebingen Variant Classification Criteria Version 2. Collection method: clinical testing. Allele origin: germline. Affected: yes. Observed: 3 variant alleles.
Comment: ADAMTS13: BP4

Labcorp Genetics (formerly Invitae), Labcorp
Classification: Benign. Last evaluated: 2026-01-22. Review status: criteria provided, single submitter. Criteria: Invitae Variant Classification Sherloc (09022015). Collection method: clinical testing. Allele origin: germline.

Blueprint Genetics
Classification: Likely benign. Last evaluated: 2024-10-28. Review status: criteria provided, single submitter. Criteria: ACMG Guidelines, 2015. Collection method: clinical testing. Allele origin: germline.

Mayo Clinic Laboratories, Mayo Clinic
Classification: Benign. Last evaluated: 2022-11-10. Review status: criteria provided, single submitter. Criteria: ACMG Guidelines, 2015. Collection method: clinical testing. Allele origin: germline. Observed: 8 variant alleles.
Comment: BA1, BP4

Fulgent Genetics
Classification: Likely benign for Upshaw-Schulman syndrome. Last evaluated: 2022-05-25. Review status: criteria provided, single submitter. Criteria: ACMG Guidelines, 2015. Collection method: clinical testing. Allele origin: unknown.

Mendelics
Classification: Benign for Upshaw-Schulman syndrome. Last evaluated: 2019-05-28. Review status: criteria provided, single submitter. Criteria: Mendelics Assertion Criteria 2017. Collection method: clinical testing. Allele origin: unknown.

Genetic Services Laboratory, University of Chicago
Classification: Likely benign for Thrombotic thrombocytopenic purpura, familial. Last evaluated: 2016-08-16. Review status: criteria provided, single submitter. Criteria: ACMG Guidelines, 2015. Collection method: clinical testing. Allele origin: germline. Affected: no.

NM_139027.6(ADAMTS13):c.2708C>T (p.Ser903Leu)

Gene: ADAMTS13 (ADAM metallopeptidase with thrombospondin type 1 motif 13; plus strand). Cytogenetic location: 9q34.2.
Variant type: single nucleotide variant.
Coding change: c.2708C>T on transcript NM_139027.6 (MANE Select); coding-DNA position 2708, C replaced by T.
Protein change: p.Ser903Leu; replaces serine 903 with leucine.
Molecular consequence: missense variant. On other transcripts: non-coding transcript variant (1).
Genome position (GRCh38, 1-based): chr9:133,445,796, C>T. VCF-style: chr9-133445796-C-T. GRCh37 (hg19) VCF-style: chr9-136310917-C-T.
Other names: c.2708C>T, p.Ser903Leu (NM_139025.5); c.2615C>T, p.Ser872Leu (NM_139026.6); short protein forms S903L, S872L.
Identifiers: ClinVar variation 365555 (VCV000365555.42), dbSNP rs78977446, ClinGen allele CA10626730.